The following is an entry in ClinVar:

ClinVar aggregate classification (germline): Uncertain significance (1 of 4 stars; one submission).

Submission:

Labcorp Genetics (formerly Invitae), Labcorp
Classification: Uncertain significance. Last evaluated: 2021-12-27. Review status: criteria provided, single submitter. Criteria: Invitae Variant Classification Sherloc (09022015). Collection method: clinical testing. Allele origin: germline.
Comment: In summary, the available evidence is currently insufficient to determine the role of this variant in disease. Therefore, it has been classified as a Variant of Uncertain Significance. Algorithms developed to predict the effect of missense changes on protein structure and function (SIFT, PolyPhen-2, Align-GVGD) all suggest that this variant is likely to be disruptive. This variant has not been reported in the literature in individuals affected with PYCR1-related conditions. This variant is not present in population databases (gnomAD no frequency). This sequence change replaces glycine, which is neutral and non-polar, with arginine, which is basic and polar, at codon 192 of the PYCR1 protein (p.Gly192Arg).

NM_006907.4(PYCR1):c.574G>C (p.Gly192Arg)

Gene: PYCR1 (pyrroline-5-carboxylate reductase 1; minus strand). Cytogenetic location: 17q25.3.
Variant type: single nucleotide variant.
Coding change: c.574G>C on transcript NM_006907.4 (MANE Select); coding-DNA position 574, G replaced by C.
Protein change: p.Gly192Arg; replaces glycine 192 with arginine.
Molecular consequence: missense variant. On other transcripts: intron variant (1).
Genome position (GRCh38, 1-based): chr17:81,934,712, C>G on the plus strand (G>C on the coding strand, the complement: PYCR1 is on the minus strand). VCF-style: chr17-81934712-C-G. GRCh37 (hg19) VCF-style: chr17-79892588-C-G.
Other names: c.574G>C, p.Gly192Arg (NM_001282280.2, NM_001330523.2, NM_153824.3); c.655G>C, p.Gly219Arg (NM_001282281.2); c.540+214G>C (NM_001282279.2); short protein forms G192R, G219R.
Identifiers: ClinVar variation 2062620 (VCV002062620.4), dbSNP rs2510116917, ClinGen allele CA401537913.